The following is an entry in ClinVar:

NM_001364905.1(LRBA):c.1774A>G (p.Thr592Ala)

Gene: LRBA (LPS responsive beige-like anchor protein; minus strand). Cytogenetic location: 4q31.3.
Variant type: single nucleotide variant.
Coding change: c.1774A>G on transcript NM_001364905.1 (MANE Select); coding-DNA position 1774, A replaced by G.
Protein change: p.Thr592Ala; replaces threonine 592 with alanine.
Molecular consequence: missense variant.
Genome position (GRCh38, 1-based): chr4:150,900,199, T>C on the plus strand (A>G on the coding strand, the complement: LRBA is on the minus strand). VCF-style: chr4-150900199-T-C. GRCh37 (hg19) VCF-style: chr4-151821351-T-C.
Other names: c.1774A>G, p.Thr592Ala (NM_001199282.3, NM_001367550.1, NM_006726.5); short protein forms T592A.
Identifiers: ClinVar variation 1444794 (VCV001444794.34), dbSNP rs373175911, ClinGen allele CA3103473.

ClinVar aggregate classification (germline): Uncertain significance. Review status: criteria provided, multiple submitters, no conflicts (2 of 4 stars). 3 submissions from 3 submitters: Uncertain significance (3). Last evaluated 2024-11-01.

Conditions:
Combined immunodeficiency due to LRBA deficiency. Also called: Common variable immunodeficiency 8, with autoimmunity. Identifiers: Orphanet 445018, MedGen C3553512, MONDO:0013863, OMIM 614700.

Allele frequency attached by ClinVar (database versions not stated): ExAC 0.00001; gnomAD 0.00001; gnomAD exomes 0.00002 and 0.00003; TOPMed 0.00002; ESP Exome Variant Server 0.00008.
gnomAD v4.1: 37 of 1,609,588 alleles (0.0023%); highest among the groups gnomAD compares: Non-Finnish European, 0.003%; no homozygotes.

Submissions (3):

Blueprint Genetics
Classification: Uncertain significance. Last evaluated: 2024-11-01. Review status: criteria provided, single submitter. Criteria: ACMG Guidelines, 2015. Collection method: clinical testing. Allele origin: germline.

CeGaT Center for Human Genetics Tuebingen
Classification: Uncertain significance. Last evaluated: 2022-12-01. Review status: criteria provided, single submitter. Criteria: CeGaT Center For Human Genetics Tuebingen Variant Classification Criteria Version 2. Collection method: clinical testing. Allele origin: germline. Affected: yes. Observed: 1 variant allele.
Comment: LRBA: PM2

Labcorp Genetics (formerly Invitae), Labcorp
Classification: Uncertain significance for Combined immunodeficiency due to LRBA deficiency. Last evaluated: 2022-01-07. Review status: criteria provided, single submitter. Criteria: Invitae Variant Classification Sherloc (09022015). Collection method: clinical testing. Allele origin: germline.
Comment: This sequence change replaces threonine, which is neutral and polar, with alanine, which is neutral and non-polar, at codon 592 of the LRBA protein (p.Thr592Ala). This variant is present in population databases (rs373175911, gnomAD 0.004%). This variant has not been reported in the literature in individuals affected with LRBA-related conditions. Algorithms developed to predict the effect of missense changes on protein structure and function are either unavailable or do not agree on the potential impact of this missense change (SIFT: "Tolerated"; PolyPhen-2: "Probably Damaging"; Align-GVGD: "Class C0"). In summary, the available evidence is currently insufficient to determine the role of this variant in disease. Therefore, it has been classified as a Variant of Uncertain Significance.